The following is an entry in ClinVar:

NM_000540.3(RYR1):c.637G>A (p.Val213Met)

Gene: RYR1 (ryanodine receptor 1; plus strand). Cytogenetic location: 19q13.2.
Variant type: single nucleotide variant.
Coding change: c.637G>A on transcript NM_000540.3 (MANE Select); coding-DNA position 637, G replaced by A.
Protein change: p.Val213Met; replaces valine 213 with methionine.
Molecular consequence: missense variant.
Genome position (GRCh38, 1-based): chr19:38,446,477, G>A. VCF-style: chr19-38446477-G-A. GRCh37 (hg19) VCF-style: chr19-38937117-G-A.
Other names: c.637G>A, p.Val213Met (NM_001042723.2); short protein forms V213M.
Identifiers: ClinVar variation 4758375 (VCV004758375.1).

ClinVar aggregate classification (germline): Uncertain significance (1 of 4 stars; one submission).

Conditions:
Malignant hyperthermia, susceptibility to, 1 (MHS1). Also called: RYR1-Related Malignant Hyperthermia Susceptibility; Malignant hyperthermia suceptibility 1; Anesthesia related hyperthermia; Malignant hyperpyrexia; Fulminating hyperpyrexia; Pharmacogenic myopathy. Identifiers: Orphanet 423, MedGen C2930980, MONDO:0007783, OMIM 145600.

gnomAD v4.1: 2 of 1,613,828 alleles (0.00012%); highest among the groups gnomAD compares: East Asian, 0.0022%; no homozygotes.

Submission:

Color Diagnostics, LLC DBA Color Health
Classification: Uncertain significance for Malignant hyperthermia, susceptibility to, 1. Last evaluated: 2023-08-16. Review status: criteria provided, single submitter. Criteria: ACMG Guidelines, 2015. Collection method: clinical testing. Allele origin: germline.
Comment: This missense variant replaces valine with methionine at codon 213 of the RYR1 protein. Computational prediction is inconclusive regarding the impact of this variant on protein structure and function. To our knowledge, functional studies have not been reported for this variant. This variant has not been reported in individuals affected with RYR1-related disorders in the literature. This variant has been identified in 1/251412 chromosomes in the general population by the Genome Aggregation Database (gnomAD). The available evidence is insufficient to determine the role of this variant in disease conclusively. Therefore, this variant is classified as a Variant of Uncertain Significance.